The following is an entry in ClinVar:

NM_005687.5(FARSB):c.718G>C (p.Asp240His)

Gene: FARSB (phenylalanyl-tRNA synthetase subunit beta; minus strand). Cytogenetic location: 2q36.1.
Variant type: single nucleotide variant.
Coding change: c.718G>C on transcript NM_005687.5 (MANE Select); coding-DNA position 718, G replaced by C.
Protein change: p.Asp240His; replaces aspartic acid 240 with histidine.
Molecular consequence: missense variant. On other transcripts: non-coding transcript variant (1).
Genome position (GRCh38, 1-based): chr2:222,631,672, C>G on the plus strand (G>C on the coding strand, the complement: FARSB is on the minus strand). VCF-style: chr2-222631672-C-G. GRCh37 (hg19) VCF-style: chr2-223496391-C-G.
Other names: short protein forms D240H.
Identifiers: ClinVar variation 1512905 (VCV001512905.6), dbSNP rs372188174, ClinGen allele CA2136571.

ClinVar aggregate classification (germline): Uncertain significance (1 of 4 stars; one submission).

Allele frequency attached by ClinVar (database versions not stated): TOPMed below 0.00001; ExAC 0.00001; gnomAD exomes 0.00002; ESP Exome Variant Server 0.00008.
gnomAD v4.1: 4 of 1,533,466 alleles (0.00026%); highest among the groups gnomAD compares: Admixed American, 0.0067%; no homozygotes.

Submission:

Labcorp Genetics (formerly Invitae), Labcorp
Classification: Uncertain significance. Last evaluated: 2022-06-05. Review status: criteria provided, single submitter. Criteria: Invitae Variant Classification Sherloc (09022015). Collection method: clinical testing. Allele origin: germline.
Comment: This sequence change replaces aspartic acid, which is acidic and polar, with histidine, which is basic and polar, at codon 240 of the FARSB protein (p.Asp240His). This variant is present in population databases (rs372188174, gnomAD 0.009%). This variant has not been reported in the literature in individuals affected with FARSB-related conditions. ClinVar contains an entry for this variant (Variation ID: 1512905). Algorithms developed to predict the effect of missense changes on protein structure and function output the following: SIFT: "Deleterious"; PolyPhen-2: "Benign"; Align-GVGD: "Class C0". The histidine amino acid residue is found in multiple mammalian species, which suggests that this missense change does not adversely affect protein function. In summary, the available evidence is currently insufficient to determine the role of this variant in disease. Therefore, it has been classified as a Variant of Uncertain Significance.